The following is an entry in ClinVar:

NM_032444.4(SLX4):c.4637-110T>C

Gene: SLX4 (SLX4 structure-specific endonuclease subunit; minus strand). Cytogenetic location: 16p13.3.
Variant type: single nucleotide variant.
Coding change: c.4637-110T>C on transcript NM_032444.4 (MANE Select); 110 bases into the intron before coding-DNA position 4637, T replaced by C.
Molecular consequence: intron variant.
Genome position (GRCh38, 1-based): chr16:3,584,981, A>G on the plus strand (T>C on the coding strand, the complement: SLX4 is on the minus strand). VCF-style: chr16-3584981-A-G. GRCh37 (hg19) VCF-style: chr16-3634982-A-G.
Identifiers: ClinVar variation 929611 (VCV000929611.3), dbSNP rs74005837, ClinGen allele CA276953629.

ClinVar aggregate classification (germline): Benign. Review status: criteria provided, multiple submitters, no conflicts (2 of 4 stars). 3 submissions from 3 submitters: Benign (2). 1 of the submissions does not count toward it. Last evaluated 2019-05-25.

Allele frequency attached by ClinVar (database versions not stated): gnomAD exomes 0.00264; gnomAD 0.02106 and 0.02262; TOPMed 0.02424; 1000 Genomes Project 30x 0.02452; 1000 Genomes Project 0.02536.
gnomAD v4.1: 5,143 of 868,864 alleles (0.59%); highest among the groups gnomAD compares: African/African-American, 7.3%; 173 homozygotes.

Submissions (3):

GeneDx
Classification: Benign. Last evaluated: 2019-05-25. Review status: criteria provided, single submitter. Criteria: GeneDx Variant Classification Process June 2021. Collection method: clinical testing. Allele origin: germline. Affected: yes.

Breakthrough Genomics
Classification: Benign. Review status: criteria provided, single submitter. Criteria: ACMG Guidelines, 2015. Collection method: not provided. Allele origin: germline. Inheritance: Autosomal recessive inheritance. Affected: yes.

Leiden Open Variation Database
Classification: Likely benign. Last evaluated: 2012-08-31. Review status: no assertion criteria provided. Collection method: curation. Allele origin: germline. Affected: yes. Not counted in ClinVar's aggregate classification.
Comment: Curator: Arleen D. Auerbach. Submitter to LOVD: Janine Bakker.

Literature cited by the submitters: PubMed 22911665 (cited by Leiden Open Variation Database).